The following is an entry in ClinVar:

NM_000540.3(RYR1):c.89A>T (p.Glu30Val)

Gene: RYR1 (ryanodine receptor 1; plus strand). Cytogenetic location: 19q13.2.
Variant type: single nucleotide variant.
Coding change: c.89A>T on transcript NM_000540.3 (MANE Select); coding-DNA position 89, A replaced by T.
Protein change: p.Glu30Val; replaces glutamic acid 30 with valine.
Molecular consequence: missense variant.
Genome position (GRCh38, 1-based): chr19:38,440,788, A>T. VCF-style: chr19-38440788-A-T. GRCh37 (hg19) VCF-style: chr19-38931428-A-T.
Other names: c.89A>T, p.Glu30Val (NM_001042723.2); short protein forms E30V.
Identifiers: ClinVar variation 224362 (VCV000224362.28), dbSNP rs145771708, ClinGen allele CA073030.

ClinVar aggregate classification (germline): Conflicting classifications of pathogenicity. Review status: criteria provided, conflicting classifications (1 of 4 stars). 8 submissions from 7 submitters: Uncertain significance (5); Likely benign (3). Last evaluated 2025-12-15.

Conditions:
RYR1-related disorder. Also called: RYR1-related disorders; RYR1-related condition. Identifiers: MedGen CN239331.
Congenital multicore myopathy with external ophthalmoplegia (CMYO1B). Also called: MULTIMINICORE DISEASE WITH EXTERNAL OPHTHALMOPLEGIA; Congenital myopathy 1B, autosomal recessive; Minicore myopathy; MULTICORE MYOPATHY; Minicore myopathy with external ophthalmoplegia. Identifiers: Orphanet 598, Orphanet 98905, MedGen C1850674, MONDO:0009712, OMIM 255320, HP:0003789.
Malignant hyperthermia, susceptibility to, 1 (MHS1). Also called: Anesthesia related hyperthermia; Malignant hyperpyrexia; Fulminating hyperpyrexia; Pharmacogenic myopathy; Malignant hyperthermia suceptibility 1; RYR1-Related Malignant Hyperthermia Susceptibility. Identifiers: Orphanet 423, MedGen C2930980, MONDO:0007783, OMIM 145600.

Allele frequency attached by ClinVar (database versions not stated): gnomAD exomes 0.00017 and 0.00031; gnomAD 0.00019; TOPMed 0.00020; ESP Exome Variant Server 0.00039.
gnomAD v4.1: 293 of 1,609,096 alleles (0.018%); highest among the groups gnomAD compares: Non-Finnish European, 0.0064%; no homozygotes.

Submissions (8):

Labcorp Genetics (formerly Invitae), Labcorp
Classification: Likely benign for RYR1-related disorder. Last evaluated: 2025-12-15. Review status: criteria provided, single submitter. Criteria: Invitae Variant Classification Sherloc (09022015). Collection method: clinical testing. Allele origin: germline.

GeneDx
Classification: Uncertain significance. Last evaluated: 2025-10-03. Review status: criteria provided, single submitter. Criteria: GeneDx Variant Classification Process June 2021. Collection method: clinical testing. Allele origin: germline. Affected: yes.
Comment: Reported previously as a heterozygous variant in one individual from a healthy volunteer cohort screened by exome sequencing for variants in RYR1, who upon review of personal history was found to have elevated serum creatine kinase (Gonsalves et al., 2013); Reported in trans with another RYR1 variant in an individual from an atrioventricular septal defect cohort who upon additional review of personal history was not found to have a history suggestive of myopathy (Priest et al., 2016); In silico analysis supports that this missense variant has a deleterious effect on protein structure/function; This variant is associated with the following publications: (PMID: 24195946, 27058611, 33767344)

PreventionGenetics, part of Exact Sciences
Classification: Uncertain significance for RYR1-related condition. Last evaluated: 2025-02-03. Review status: criteria provided, single submitter. Criteria: ACMG Guidelines, 2015. Collection method: clinical testing. Allele origin: germline.
Comment: The RYR1 c.89A>T variant is predicted to result in the amino acid substitution p.Glu30Val. This variant was reported in the compound heterozygous state in an individual with atrioventricular septum defect (Priest et al. 2016. PubMed ID: 27058611). It was also detected in an individual with intermittent hypokalemia in a cohort screened for RYR1 variants using exome sequencing (Gonsalves et al. 2013. PubMed ID: 24195946). This variant is reported in 0.58% of alleles in individuals of Ashkenazi Jewish descent in gnomAD. At this time, the clinical significance of this variant is uncertain due to the absence of conclusive functional and genetic evidence.

Color Diagnostics, LLC DBA Color Health
Classification: Likely benign for Malignant hyperthermia, susceptibility to, 1. Last evaluated: 2023-03-08. Review status: criteria provided, single submitter. Criteria: ACMG Guidelines, 2015. Collection method: clinical testing. Allele origin: germline.

Revvity Omics, Revvity
Classification: Likely benign. Last evaluated: 2023-03-02. Review status: criteria provided, single submitter. Criteria: ACMG Guidelines, 2015. Collection method: clinical testing. Allele origin: germline.

Illumina Laboratory Services, Illumina
Classification: Uncertain significance for Malignant hyperthermia, susceptibility to, 1. Last evaluated: 2018-01-13. Review status: criteria provided, single submitter. Criteria: ICSL Variant Classification Criteria 13 December 2019. Collection method: clinical testing. Allele origin: germline.

Illumina Laboratory Services, Illumina
Classification: Uncertain significance for Congenital multicore myopathy with external ophthalmoplegia. Last evaluated: 2018-01-13. Review status: criteria provided, single submitter. Criteria: ICSL Variant Classification Criteria 13 December 2019. Collection method: clinical testing. Allele origin: germline.

Biesecker Lab/Clinical Genomics Section, National Institutes of Health
Classification: Uncertain significance for Malignant hyperthermia, susceptibility to, 1. Last evaluated: 2013-07-01. Review status: criteria provided, single submitter. Criteria: Gonsalves et al. 2013. Collection method: research. Allele origin: unknown. Observed: 1 variant allele. Study: ClinSeq.
Comment: The study set was not selected for affection status in relation to any myopathy. Pathogenicity categories were based on literature curation. See Pubmed ID: 24195946 for details.